The following is an entry in ClinVar:

NM_006440.5(TXNRD2):c.375-62C>T

Gene: TXNRD2 (thioredoxin reductase 2; minus strand). Cytogenetic location: 22q11.21.
Variant type: single nucleotide variant.
Coding change: c.375-62C>T on transcript NM_006440.5 (MANE Select); 62 bases into the intron before coding-DNA position 375, C replaced by T.
Molecular consequence: intron variant.
Genome position (GRCh38, 1-based): chr22:19,918,279, G>A on the plus strand (C>T on the coding strand, the complement: TXNRD2 is on the minus strand). VCF-style: chr22-19918279-G-A. GRCh37 (hg19) VCF-style: chr22-19905802-G-A.
Other names: c.372-62C>T (NM_001352300.2); c.87-62C>T (NM_001352302.2); c.285-62C>T (NM_001352301.2); c.375-62C>T (NM_001282512.3); c.279-62C>T (NM_001352303.2).
Identifiers: ClinVar variation 678090 (VCV000678090.2), dbSNP rs756661, ClinGen allele CA14934372.

ClinVar aggregate classification (germline): Benign. Review status: criteria provided, multiple submitters, no conflicts (2 of 4 stars). 2 submissions from 2 submitters: Benign (2). Last evaluated 2018-06-14.

Allele frequency attached by ClinVar (database versions not stated): gnomAD exomes 0.59620; ESP Exome Variant Server 0.62396; gnomAD 0.64823 and 0.65357; TOPMed 0.66480; 1000 Genomes Project 30x 0.74891; 1000 Genomes Project 0.74980.
gnomAD v4.1: 834,507 of 1,383,662 alleles (60%); highest among the groups gnomAD compares: East Asian, 91%; 257,704 homozygotes.

Submissions (2):

GeneDx
Classification: Benign. Last evaluated: 2018-06-14. Review status: criteria provided, single submitter. Criteria: GeneDx Variant Classification (06012015). Collection method: clinical testing. Allele origin: germline. Affected: yes.
Comment: This variant is considered likely benign or benign based on one or more of the following criteria: it is a conservative change, it occurs at a poorly conserved position in the protein, it is predicted to be benign by multiple in silico algorithms, and/or has population frequency not consistent with disease.

Breakthrough Genomics
Classification: Benign. Review status: criteria provided, single submitter. Criteria: ACMG Guidelines, 2015. Collection method: not provided. Allele origin: germline. Inheritance: Autosomal recessive inheritance. Affected: yes.